The following is an entry in ClinVar:

ClinVar aggregate classification (germline): Pathogenic/Likely pathogenic. Review status: criteria provided, multiple submitters, no conflicts (2 of 4 stars). 15 submissions from 14 submitters: Pathogenic (13); Likely pathogenic (2). Last evaluated 2025-12-19.

Conditions:
SOS1-related disorder. Also called: SOS1-related condition.
Abnormal sternum morphology. Also called: Abnormality of the sternum. Identifiers: MedGen C1860493, HP:0000766.
Short stature. Identifiers: MedGen C0349588, HP:0004322.
Pulmonic stenosis. Also called: Pulmonic stenosis (disease). Identifiers: Orphanet 3189, MedGen C1956257, MONDO:0009938, OMIM 265500, HP:0001642.
Ptosis. Also called: Ptosis (disease). Identifiers: MedGen C0005745, MONDO:0000728, HP:0000508.
Noonan syndrome and Noonan-related syndrome. Identifiers: Orphanet 98733, MedGen C5681679, MONDO:0020297.
Fetal cystic hygroma (FCH). Also called: NUCHAL BLEB, FAMILIAL. Identifiers: Orphanet 79486, MedGen C0948242, OMIM 257350, HP:0010878.
Cardiovascular phenotype. Identifiers: MedGen CN230736.
Fibromatosis, gingival, 1 (GINGF1). Identifiers: Orphanet 2024, MedGen C4551558, MONDO:0007609, OMIM 135300.
Noonan syndrome 4 (NS4). Also called: NOONAN SYNDROME WITH PIGMENTED VILLONODULAR SYNOVITIS; SOS1-Related Noonan Syndrome. Identifiers: Orphanet 648, MedGen C1853120, MONDO:0012547, OMIM 610733.
RASopathy. Also called: rasopathies; Noonan spectrum disorder. Identifiers: Orphanet 536391, MedGen C5555857, MONDO:0021060.
Noonan syndrome (NS). Also called: Noonan's syndrome. Identifiers: Orphanet 648, MedGen C0028326, MeSH D009634, MONDO:0018997. Disease mechanism: gain of function.
Noonan syndrome 1 (NS1). Also called: FEMALE PSEUDO-TURNER SYNDROME; TURNER PHENOTYPE WITH NORMAL KARYOTYPE; PTPN11-Related Noonan Syndrome. Identifiers: Orphanet 648, MedGen C4551602, MONDO:0008104, OMIM 163950. Disease mechanism: gain of function.

Allele frequency attached by ClinVar (database versions not stated): gnomAD exomes below 0.00001.
gnomAD v4.1: 1 of 1,613,306 alleles (0.000062%); highest among the groups gnomAD compares: Non-Finnish European, 0.000085%; no homozygotes.

Submissions 1 to 8 of 15:

Labcorp Genetics (formerly Invitae), Labcorp
Classification: Pathogenic for RASopathy. Last evaluated: 2025-12-19. Review status: criteria provided, single submitter. Criteria: Invitae Variant Classification Sherloc (09022015). Collection method: clinical testing. Allele origin: germline.
Comment: This sequence change replaces glycine, which is neutral and non-polar, with arginine, which is basic and polar, at codon 434 of the SOS1 protein (p.Gly434Arg). This variant is not present in population databases (gnomAD no frequency). This missense change has been observed in individuals with RASopathy spectrum disorders (PMID: 17143285, 17586837, 20186801, 21387466). ClinVar contains an entry for this variant (Variation ID: 40672). Invitae Evidence Modeling of protein sequence and biophysical properties (such as structural, functional, and spatial information, amino acid conservation, physicochemical variation, residue mobility, and thermodynamic stability) indicates that this missense variant is expected to disrupt SOS1 protein function with a positive predictive value of 95%. Experimental studies have shown that this missense change affects SOS1 function (PMID: 23487764). For these reasons, this variant has been classified as Pathogenic.

Victorian Clinical Genetics Services, Murdoch Childrens Research Institute
Classification: Pathogenic for Noonan syndrome 4. Last evaluated: 2024-10-08. Review status: criteria provided, single submitter. Criteria: ACMG Guidelines, 2015. Collection method: clinical testing. Allele origin: germline. Inheritance: Autosomal dominant inheritance. Affected: yes.
Comment: Based on the classification scheme VCGS_Germline_v1.3.4, this variant is classified as Pathogenic. Following criteria are met: 0101 - Gain of function is a known mechanism of disease in this gene and is associated with Noonan syndrome 4 (MIM#610733) (PMID: 17143285). (I) 0107 - This gene is associated with autosomal dominant disease. (I) 0115 - Variants in this gene are known to have variable expressivity (PMID: 20301303). (I) 0200 - Variant is predicted to result in a missense amino acid change from glycine to arginine. (I) 0251 - This variant is heterozygous. (I) 0301 - Variant is absent from gnomAD (both v2 and v3). (SP) 0501 - Missense variant consistently predicted to be damaging by multiple in silico tools or highly conserved with a major amino acid change. (SP) 0604 - Variant is not located in an established domain, motif, hotspot or informative constraint region. (I) 0801 - This variant has strong previous evidence of pathogenicity in unrelated individuals. This variant has been classified as likely pathogenic and pathogenic by multiple clinical laboratories in ClinVar. This variant has also been observed in two unrelated individuals with Noonan syndrome, once as de novo and once as maternally inherited (PMID: 30784236). (I) Legend: (SP) - Supporting pathogenic, (I) - Information, (SB) - Supporting benign

Division of Genetic & Genomic Pathology, Hong Kong Children's Hospital
Classification: Pathogenic for Noonan syndrome 4. Last evaluated: 2024-05-14. Review status: criteria provided, single submitter. Criteria: ACMG Guidelines, 2015. Collection method: clinical testing. Allele origin: germline. Affected: yes.
Comment: The missense variant SOS1 c.1300G>A p.(Gly434Arg) is located in exon 10 of the gene at the pleckstrin homology domain. This variant is present at a very low frequency in gnomAD v4.1.0 (total 1 in 1,613,306 alleles). It has been reported in multiple patients with Noonan Syndrome (PMID: 17586837, 21387466, 30784236, 31560489) and has been deposited as pathogenic/likely pathogenic in ClinVar (Accession: VCV000040672.28). Functional study showed that the variant is associated with increased ERK activation (PMID: 23487764). A different variant resulting in the same amino acid change, SOS1 c.1300G>C p.(Gly434Arg), has also been deposited in ClinVar as pathogenic (Accession: VCV000040670.22). According to the ClinGen RASopathy Expert Panel Specifications to the ACMG/AMP Variant Interpretation Guidelines (version 1.0.0), this variant is classified as pathogenic.

Ambry Genetics
Classification: Pathogenic for Cardiovascular phenotype. Last evaluated: 2022-03-25. Review status: criteria provided, single submitter. Criteria: Ambry Variant Classification Scheme 2023. Collection method: clinical testing. Allele origin: germline.
Comment: The p.G434R pathogenic mutation (also known as c.1300G>A), located in coding exon 10 of the SOS1 gene, results from a G to A substitution at nucleotide position 1300. The glycine at codon 434 is replaced by arginine, an amino acid with dissimilar properties. This alteration has been reported in multiple Noonan syndrome cohorts; including a de novo occurrence (Roberts AE et al. Nat Genet, 2007 Jan;39:70-4; Zenker M et al. J Med Genet, 2007 Oct;44:651-6; Alfieri P et al. Am J Med Genet A, 2014 Apr;164A:934-42; Koh AL et al. Mol Genet Genomic Med, 2019 04;7:e00581; Chinton J et al. Arch Argent Pediatr, 2019 10;117:330-337). In addition, this alteration may have an impact on protein function (Smith MJ et al. Proc Natl Acad Sci U S A, 2013 Mar;110:4574-9). This variant is considered to be rare based on population cohorts in the Genome Aggregation Database (gnomAD). This amino acid position is highly conserved in available vertebrate species. In addition, this alteration is predicted to be deleterious by in silico analysis. Based on the supporting evidence, this alteration is interpreted as a disease-causing mutation.

Equipe Genetique des Anomalies du Developpement, Université de Bourgogne
Classification: Pathogenic for Noonan syndrome 4. Last evaluated: 2021-04-01. Review status: criteria provided, single submitter. Criteria: ACMG Guidelines, 2015. Collection method: clinical testing. Allele origin: de novo. Affected: yes.

Blueprint Genetics
Classification: Pathogenic for SOS1-related disorders. Last evaluated: 2021-01-21. Review status: criteria provided, single submitter. Criteria: ACMG Guidelines, 2015. Collection method: clinical testing. Allele origin: de novo. Affected: yes. Observed: 2 variant alleles.

Illumina Laboratory Services, Illumina
Classification: Pathogenic for Noonan syndrome 4. Last evaluated: 2019-03-05. Review status: criteria provided, single submitter. Criteria: ICSLVariantClassificationCriteria RUGD 01 April 2020. Collection method: clinical testing. Allele origin: unknown.
Comment: The SOS1 c.1300G>A (p.Gly434Arg) variant is a missense variant that has been reported in at least two studies, in which it is found in a heterozygous state in three individuals with Noonan syndrome (Zenker et al. 2007; Lepri et al. 2011). Another variant that results in p.Gly434Arg has also been reported in at least three studies, in a total of five individuals with Noonan syndrome including a mother and son (Roberts et al. 2007; Alfieri et al. 2013; Koh et al. 2019). Phenotypes included cryptorchidism, pulmonary stenosis, short stature, mild hypertelorism, cubitus valgus, shield chest, and pectus deformity (Roberts et al. 2007; Koh et al. 2019). The p.Gly434Arg variant has been reported in a de novo state in at least two individuals (Zenker et al. 2007; Koh et al. 2019). Control data are unavailable for the p.Gly434Arg variant and it is not found in the Genome Aggregation Database in a region of good sequence coverage so the variant is presumed to be rare. Based on the collective evidence and application of the ACMG criteria, the p.Gly434Arg variant is classified as pathogenic for Noonan syndrome.

Genome Diagnostics Laboratory, The Hospital for Sick Children
Classification: Likely pathogenic for Noonan syndrome and Noonan-related syndrome. Last evaluated: 2018-12-01. Review status: criteria provided, single submitter. Criteria: ACMG Guidelines, 2015. Collection method: clinical testing. Allele origin: germline. Affected: yes.

NM_005633.4(SOS1):c.1300G>A (p.Gly434Arg)

Gene: SOS1 (SOS Ras/Rac guanine nucleotide exchange factor 1; minus strand). Cytogenetic location: 2p22.1.
Variant type: single nucleotide variant.
Coding change: c.1300G>A on transcript NM_005633.4 (MANE Select); coding-DNA position 1300, G replaced by A.
Protein change: p.Gly434Arg; replaces glycine 434 with arginine.
Molecular consequence: missense variant.
Genome position (GRCh38, 1-based): chr2:39,023,128, C>T on the plus strand (G>A on the coding strand, the complement: SOS1 is on the minus strand). VCF-style: chr2-39023128-C-T. GRCh37 (hg19) VCF-style: chr2-39250269-C-T.
Other names: c.1279G>A, p.Gly427Arg (NM_001382394.1); c.1300G>A, p.Gly434Arg (NM_001382395.1); c.1300G>A (LRG_754t1); short protein forms G434R, G427R.
Identifiers: ClinVar variation 40672 (VCV000040672.34), dbSNP rs397517148, ClinGen allele CA261717.
Genomic context (GRCh38, chr2:39,023,128, plus strand): 5'-CTACACGTGTAAGAGTTCCTTCCATTATAAATTCATTACAACACTGTCCAATGTCTTTTC[C>T]CTCCCAACCATCAATATTCTTCTGAATCTCGTTCATCTTCTTGATTGCTAGTTGTTTCCC-3'
Protein context (NP_005624.2, residues 424-444): EIQKNIDGWE[Gly434Arg]KDIGQCCNEF